The following is an entry in ClinVar:

NM_001127255.2(NLRP7):c.336dup (p.Glu113Glyfs)

Gene: NLRP7 (NLR family pyrin domain containing 7; minus strand). Cytogenetic location: 19q13.42.
Variant type: Duplication.
Coding change: c.336dup on transcript NM_001127255.2 (MANE Select); coding-DNA position 336, one base duplicated (G; older notation c.336dupG).
Protein change: p.Glu113Glyfs; shifts the reading frame from glutamic acid 113.
Molecular consequence: frameshift variant.
Genome position (GRCh38, 1-based): chr19:54,940,946, C duplicated on the plus strand (G on the coding strand, the reverse complement: NLRP7 is on the minus strand); the first of 2 consecutive C bases (chr19:54,940,946-54,940,947); duplicating either gives the same sequence. VCF-style (leftmost placement, unchanged base first): chr19-54940945-T-TC. GRCh37 (hg19) VCF-style: chr19-55452313-T-TC.
Other names: c.337_338insG (NM_001127255.1); c.336dup, p.Glu113Glyfs (NM_001405531.1, NM_139176.4, NM_206828.4); c.337dup (NM_206828.4); c.337dupG (NM_001127255.1); short protein forms E113fs.
Identifiers: ClinVar variation 97796 (VCV000097796.11), dbSNP rs104895553, ClinGen allele CA150125.

ClinVar aggregate classification (germline): Pathogenic/Likely pathogenic. Review status: criteria provided, multiple submitters, no conflicts (2 of 4 stars). 4 submissions from 4 submitters: Pathogenic (1); Likely pathogenic (1). 2 of the submissions do not count toward it. Last evaluated 2021-02-15.

Conditions:
NLRP7-related disorder. Also called: NLRP7-related condition.
Hydatidiform mole. Also called: Hydatidiform Moles; Hydatidiform mole, recurrent; hydatid mole. Identifiers: Orphanet 99927, MedGen C0020217, MONDO:0006248, HP:0032192.
Hydatidiform mole, recurrent, 1 (HYDM1). Identifiers: Orphanet 254688, Orphanet 99927, MedGen C3463897, MONDO:0009273, OMIM 231090. Disease mechanism: loss of function.

Submissions (4):

Blueprint Genetics
Classification: Likely pathogenic for NLRP7-related disorders. Last evaluated: 2021-02-15. Review status: criteria provided, single submitter. Criteria: ACMG Guidelines, 2015. Collection method: clinical testing. Allele origin: germline. Affected: yes. Observed: 2 variant alleles.

Laboratory for Molecular Medicine, Mass General Brigham Personalized Medicine
Classification: Pathogenic for Hydatidiform mole. Last evaluated: 2019-01-29. Review status: criteria provided, single submitter. Criteria: ACMG Guidelines, 2015. Collection method: clinical testing. Allele origin: germline. Inheritance: Autosomal recessive inheritance. Study: CSER-MedSeq.
Comment: The Glu113GlyfsX7 variant in NLRP7 has not been previously reported in the literature or in large population studies. This frameshift variant is predicted to alter the protein’s amino acid sequence beginning at position 113 and lead to a premature termination codon 7 amino acids downstream. This alteration is then predicted to lead to a truncated or absent protein. In summary, this variant meets our criteria to be classified as pathogenic in a recessive manner for recurrent hydatidiform molar pregnancies.

OMIM
Classification: Pathogenic for HYDATIDIFORM MOLE, RECURRENT, 1. Last evaluated: 2009-08-01. Review status: no assertion criteria provided. Collection method: literature only. Allele origin: germline. Not counted in ClinVar's aggregate classification.

Unité médicale des maladies autoinflammatoires, CHRU Montpellier
No classification provided. Condition: Hydatidiform mole. Review status: no classification provided. Collection method: not provided. Allele origin: unknown. Not counted in ClinVar's aggregate classification.

Literature cited by the submitters: PubMed 19246479 (cited by OMIM).